The following is an entry in ClinVar:

NM_001184880.2(PCDH19):c.1602G>A (p.Leu534=)

Gene: PCDH19 (protocadherin 19; minus strand). Cytogenetic location: Xq22.1.
Variant type: single nucleotide variant.
Coding change: c.1602G>A on transcript NM_001184880.2 (MANE Select); coding-DNA position 1602, G replaced by A.
Protein change: p.Leu534=; no amino-acid change (leucine 534 retained).
Molecular consequence: synonymous variant.
Genome position (GRCh38, 1-based): chrX:100,406,996, C>T on the plus strand (G>A on the coding strand, the complement: PCDH19 is on the minus strand). VCF-style: chrX-100406996-C-T. GRCh37 (hg19) VCF-style: chrX-99661994-C-T.
Other names: c.1602G>A, p.Leu534= (NM_001105243.2, NM_020766.3).
Identifiers: ClinVar variation 682237 (VCV000682237.10), dbSNP rs370939779, ClinGen allele CA10468866.

ClinVar aggregate classification (germline): Likely benign. Review status: criteria provided, multiple submitters, no conflicts (2 of 4 stars). 2 submissions from 2 submitters: Likely benign (2). Last evaluated 2025-05-22.

Conditions:
Developmental and epileptic encephalopathy, 9 (DEE9). Also called: Early infantile epileptic encephalopathy 9; EPILEPSY, FEMALE-RESTRICTED, WITH MENTAL RETARDATION; PCDH19-Related X-Linked Female-Limited Epilepsy with Mental Retardation; JUBERG-HELLMAN SYNDROME. Identifiers: Orphanet 101039, Orphanet 2076, MedGen C1848137, MONDO:0010246, OMIM 300088. Disease mechanism: loss of function.

Allele frequency attached by ClinVar (database versions not stated): gnomAD exomes 0.00001 and 0.00002; ExAC 0.00002; gnomAD 0.00006 and 0.00008; TOPMed 0.00009; ESP Exome Variant Server 0.00010.
gnomAD v4.1: 14 of 1,210,151 alleles (0.0012%); highest among the groups gnomAD compares: African/African-American, 0.024%; no homozygotes.

Submissions (2):

Labcorp Genetics (formerly Invitae), Labcorp
Classification: Likely benign for Developmental and epileptic encephalopathy, 9. Last evaluated: 2025-05-22. Review status: criteria provided, single submitter. Criteria: Invitae Variant Classification Sherloc (09022015). Collection method: clinical testing. Allele origin: germline.

GeneDx
Classification: Likely benign. Last evaluated: 2018-04-19. Review status: criteria provided, single submitter. Criteria: GeneDx Variant Classification (06012015). Collection method: clinical testing. Allele origin: germline. Affected: yes.
Comment: This variant is considered likely benign or benign based on one or more of the following criteria: it is a conservative change, it occurs at a poorly conserved position in the protein, it is predicted to be benign by multiple in silico algorithms, and/or has population frequency not consistent with disease.